The following is an entry in ClinVar:

NM_000186.4(CFH):c.3357C>G (p.Asp1119Glu)

Gene: CFH (complement factor H; plus strand). Cytogenetic location: 1q31.3.
Variant type: single nucleotide variant.
Coding change: c.3357C>G on transcript NM_000186.4 (MANE Select); coding-DNA position 3357, C replaced by G.
Protein change: p.Asp1119Glu; replaces aspartic acid 1119 with glutamic acid.
Molecular consequence: missense variant.
Genome position (GRCh38, 1-based): chr1:196,745,863, C>G. VCF-style: chr1-196745863-C-G. GRCh37 (hg19) VCF-style: chr1-196714993-C-G.
Other names: short protein forms D1119E.
Identifiers: ClinVar variation 1032242 (VCV001032242.8), dbSNP rs1408795010, ClinGen allele CA343985175.

ClinVar aggregate classification (germline): Uncertain significance. Review status: criteria provided, multiple submitters, no conflicts (2 of 4 stars). 7 submissions from 4 submitters: Uncertain significance (7). Last evaluated 2025-11-22.

Conditions:
Age related macular degeneration 4. Identifiers: MedGen C1853147, MONDO:0012540, OMIM 610698.
Basal laminar drusen. Also called: DRUSEN OF BRUCH MEMBRANE; DRUSEN, CUTICULAR; DRUSEN, EARLY ADULT-ONSET, GROUPED. Identifiers: Orphanet 75376, MedGen C0730295, MONDO:0007472, OMIM 126700.
Factor H deficiency (CFHD). Also called: CFH DEFICIENCY; COMPLEMENT FACTOR H DEFICIENCY. Identifiers: Orphanet 200421, MedGen C0398777, MONDO:0012350, OMIM 609814.
Hemolytic uremic syndrome, atypical, susceptibility to, 1. Also called: AHUS, SUSCEPTIBILITY TO, 1. Identifiers: Orphanet 2134, Orphanet 90038, MedGen C2749604, MONDO:0009335, OMIM 235400. Disease mechanism: Other.
Atypical hemolytic-uremic syndrome. Identifiers: Orphanet 2134, MedGen C2931788, MONDO:0016244.

Allele frequency attached by ClinVar (database versions not stated): TOPMed below 0.00001; gnomAD 0.00001; gnomAD exomes 0.00001.
gnomAD v4.1: 4 of 1,614,000 alleles (0.00025%); highest among the groups gnomAD compares: African/African-American, 0.0013%; no homozygotes.

Submissions (7):

Labcorp Genetics (formerly Invitae), Labcorp
Classification: Uncertain significance. Last evaluated: 2025-11-22. Review status: criteria provided, single submitter. Criteria: Invitae Variant Classification Sherloc (09022015). Collection method: clinical testing. Allele origin: germline.
Comment: This sequence change replaces aspartic acid, which is acidic and polar, with glutamic acid, which is acidic and polar, at codon 1119 of the CFH protein (p.Asp1119Glu). This variant is present in population databases (no rsID available, gnomAD 0.004%). This missense change has been observed in individual(s) with clinical features of hemolytic uremic syndrome (PMID: 34189567, 35368817, 35372954, 37369098). ClinVar contains an entry for this variant (Variation ID: 1032242). An algorithm developed to predict the effect of missense changes on protein structure and function (PolyPhen-2) suggests that this variant is likely to be disruptive. Experimental studies have shown that this missense change affects CFH function (PMID: 34189567). In summary, the available evidence is currently insufficient to determine the role of this variant in disease. Therefore, it has been classified as a Variant of Uncertain Significance.

Genomenon, Inc
Classification: Uncertain significance for Basal laminar drusen; Age related macular degeneration 4; Atypical hemolytic-uremic syndrome; Factor H deficiency. Last evaluated: 2025-10-02. Review status: criteria provided, single submitter. Criteria: Genomenon Sequence Variant Interpretation Standards - Updated. Collection method: curation. Allele origin: germline. Affected: no.
Comment: CFH p.Asp1119Glu (c.3357C>G) is a missense variant that changes the amino acid at residue 1119 from Aspartic acid to Glutamic acid. This variant has been reported in the published literature (PMID:35372954;34189567). It is absent or not present at a significant frequency in gnomAD. In silico models agree that this variant is not damaging. In conclusion, we classify CFH p.Asp1119Glu (c.3357C>G) as a variant of uncertain significance.

Genome-Nilou Lab
Classification: Uncertain significance for Hemolytic uremic syndrome, atypical, susceptibility to, 1. Last evaluated: 2023-04-11. Review status: criteria provided, single submitter. Criteria: ACMG Guidelines, 2015. Collection method: clinical testing. Allele origin: germline. Affected: no.

Genome-Nilou Lab
Classification: Uncertain significance for Age related macular degeneration 4. Last evaluated: 2023-04-11. Review status: criteria provided, single submitter. Criteria: ACMG Guidelines, 2015. Collection method: clinical testing. Allele origin: germline. Affected: no.

Genome-Nilou Lab
Classification: Uncertain significance for Basal laminar drusen. Last evaluated: 2023-04-11. Review status: criteria provided, single submitter. Criteria: ACMG Guidelines, 2015. Collection method: clinical testing. Allele origin: germline. Affected: no.

Genome-Nilou Lab
Classification: Uncertain significance for Factor H deficiency. Last evaluated: 2023-04-11. Review status: criteria provided, single submitter. Criteria: ACMG Guidelines, 2015. Collection method: clinical testing. Allele origin: germline. Affected: no.

Baylor Genetics
Classification: Uncertain significance for Basal laminar drusen. Last evaluated: 2018-07-24. Review status: criteria provided, single submitter. Criteria: ACMG Guidelines, 2015. Collection method: clinical testing. Allele origin: maternal. Affected: yes.
Comment: This variant was determined to be of uncertain significance according to ACMG Guidelines, 2015 [PMID:25741868].

Literature cited by the submitters: PubMed 34189567 (cited by Labcorp Genetics (formerly Invitae), Labcorp and Genomenon, Inc); PubMed 35368817 (cited by Labcorp Genetics (formerly Invitae), Labcorp); PubMed 35372954 (cited by Labcorp Genetics (formerly Invitae), Labcorp and Genomenon, Inc); PubMed 37369098 (cited by Labcorp Genetics (formerly Invitae), Labcorp).